The following is an entry in ClinVar:

ClinVar aggregate classification (germline): Uncertain significance (1 of 4 stars; one submission).

Conditions:
Hereditary cancer-predisposing syndrome. Also called: Neoplastic Syndromes, Hereditary; Tumor predisposition; Hereditary Cancer Syndrome; Hereditary neoplastic syndrome. Identifiers: Orphanet 140162, MedGen C0027672, MeSH D009386, MONDO:0015356.

Submission:

Ambry Genetics
Classification: Uncertain significance for Hereditary cancer-predisposing syndrome. Last evaluated: 2024-09-08. Review status: criteria provided, single submitter. Criteria: Ambry Variant Classification Scheme 2023. Collection method: clinical testing. Allele origin: germline.
Comment: The p.K1877Q variant (also known as c.5629A>C), located in coding exon 41 of the POLE gene, results from an A to C substitution at nucleotide position 5629. The lysine at codon 1877 is replaced by glutamine, an amino acid with similar properties. This amino acid position is conserved. In addition, the in silico prediction for this alteration is inconclusive. Based on the available evidence, the clinical significance of this variant remains unclear.

NM_006231.4(POLE):c.5629A>C (p.Lys1877Gln)

Gene: POLE (DNA polymerase epsilon, catalytic subunit; minus strand). Cytogenetic location: 12q24.33.
Variant type: single nucleotide variant.
Coding change: c.5629A>C on transcript NM_006231.4 (MANE Select); coding-DNA position 5629, A replaced by C.
Protein change: p.Lys1877Gln; replaces lysine 1877 with glutamine.
Molecular consequence: missense variant.
Genome position (GRCh38, 1-based): chr12:132,638,063, T>G on the plus strand (A>C on the coding strand, the complement: POLE is on the minus strand). VCF-style: chr12-132638063-T-G. GRCh37 (hg19) VCF-style: chr12-133214649-T-G.
Other names: short protein forms K1877Q.
Identifiers: ClinVar variation 3422092 (VCV003422092.1).
Genomic context (GRCh38, chr12:132,638,063, plus strand): 5'-GCCAGCCGCACCTGCTGGTGATGTACTCCACGTAAGCGATGGCATCTTCCACACGGCGCT[T>G]CTTTGTACAGAGGATGATGCGGTTGAAGTTGGCGTAGATGACTGATGACCCCAGGCGCTT-3'
Protein context (NP_006222.2, residues 1867-1887): NFNRIILCTK[Lys1877Gln]RRVEDAIAYV